The following is an entry in ClinVar:

NM_003579.4(RAD54L):c.1692C>G (p.Ser564Arg)

Gene: RAD54L (RAD54 like; plus strand). Cytogenetic location: 1p34.1.
Variant type: single nucleotide variant.
Coding change: c.1692C>G on transcript NM_003579.4 (MANE Select); coding-DNA position 1692, C replaced by G.
Protein change: p.Ser564Arg; replaces serine 564 with arginine.
Molecular consequence: missense variant.
Genome position (GRCh38, 1-based): chr1:46,274,540, C>G. VCF-style: chr1-46274540-C-G. GRCh37 (hg19) VCF-style: chr1-46740212-C-G.
Other names: c.1692C>G, p.Ser564Arg (NM_001142548.2); c.1152C>G, p.Ser384Arg (NM_001370766.1); short protein forms S384R, S564R.
Identifiers: ClinVar variation 3312449 (VCV003312449.1).
Genomic context (GRCh38, chr1:46,274,540, plus strand): 5'-GCAGGATCCCAGTTTAGGCTATAAGAGGTTCCTTTTCTCCTGTTTCTTCTCTTTCCAGAG[C>G]CCTGACTTTGTCTTCATGCTGAGCAGCAAAGCTGGGGGCTGTGGCCTCAATCTCATTGGG-3'
Protein context (NP_003570.2, residues 554-574): KVVERFNSPS[Ser564Arg]PDFVFMLSSK

ClinVar aggregate classification (germline): Uncertain significance (1 of 4 stars; one submission).

Submission:

Ambry Genetics
Classification: Uncertain significance. Last evaluated: 2024-03-24. Review status: criteria provided, single submitter. Criteria: Ambry Variant Classification Scheme 2023. Collection method: clinical testing. Allele origin: germline.
Comment: The p.S564R variant (also known as c.1692C>G), located in coding exon 16 of the RAD54L gene, results from a C to G substitution at nucleotide position 1692. The serine at codon 564 is replaced by arginine, an amino acid with dissimilar properties. This amino acid position is conserved. In addition, this alteration is predicted to be tolerated by in silico analysis. Based on the available evidence, the clinical significance of this alteration remains unclear.